The following is an entry in ClinVar:

ClinVar aggregate classification (germline): Benign. Review status: criteria provided, multiple submitters, no conflicts (2 of 4 stars). 12 submissions from 12 submitters: Benign (8). 4 of the submissions do not count toward it. Last evaluated 2026-02-04.

Conditions:
Cardiovascular phenotype. Identifiers: MedGen CN230736.
Alstrom syndrome (ALMS). Identifiers: Orphanet 64, MedGen C0268425, MONDO:0008763, OMIM 203800.
Early onset severe obesity. Identifiers: MedGen C4013980.

Allele frequency attached by ClinVar (database versions not stated): 1000 Genomes Project 0.36362; 1000 Genomes Project 30x 0.38164; ESP Exome Variant Server 0.39451; TOPMed 0.41445.

Submissions (12):

Labcorp Genetics (formerly Invitae), Labcorp
Classification: Benign for Alstrom syndrome. Last evaluated: 2026-02-04. Review status: criteria provided, single submitter. Criteria: Invitae Variant Classification Sherloc (09022015). Collection method: clinical testing. Allele origin: germline.

Blueprint Genetics
Classification: Benign. Last evaluated: 2024-11-26. Review status: criteria provided, single submitter. Criteria: ACMG Guidelines, 2015. Collection method: clinical testing. Allele origin: germline.

Cambridge Genomics Laboratory, East Genomic Laboratory Hub, NHS Genomic Medicine Service
Classification: Benign for Severe early-onset obesity. Last evaluated: 2023-08-09. Review status: criteria provided, single submitter. Criteria: ACGS Best Practice Guidelines for Variant Classification in Rare Disease 2020. Collection method: clinical testing. Allele origin: germline. Affected: yes.
Comment: The p.(Arg392Cys) variant is observed in 12.103/15.442 (78.3772%) alleles from individuals of gnomAD African background in gnomAD All. The p.(Arg392Cys) variant is observed in 1.821/5.008 (36.3618%) alleles from individuals of 1kG All background in 1kG All. The p.(Arg392Cys) variant is observed in 31.708/41.354 (76.6746%) alleles from individuals of gnomAD Genomes v3 African background in gnomAD Genomes v3, indicating it is a common benign variant. (BA1 - Standalone)

Genome-Nilou Lab
Classification: Benign for Alstrom syndrome. Last evaluated: 2021-07-14. Review status: criteria provided, single submitter. Criteria: ACMG Guidelines, 2015. Collection method: clinical testing. Allele origin: germline. Affected: no.

Ambry Genetics
Classification: Benign for Cardiovascular phenotype. Last evaluated: 2018-12-21. Review status: criteria provided, single submitter. Criteria: Ambry Variant Classification Scheme 2023. Collection method: clinical testing. Allele origin: germline.

GeneDx
Classification: Benign. Last evaluated: 2016-09-09. Review status: criteria provided, single submitter. Criteria: GeneDx Variant Classification (06012015). Collection method: clinical testing. Allele origin: germline. Affected: yes.
Comment: This variant is considered likely benign or benign based on one or more of the following criteria: it is a conservative change, it occurs at a poorly conserved position in the protein, it is predicted to be benign by multiple in silico algorithms, and/or has population frequency not consistent with disease.

Laboratory for Molecular Medicine, Mass General Brigham Personalized Medicine
Classification: Benign. Last evaluated: 2016-03-21. Review status: criteria provided, single submitter. Criteria: LMM Criteria. Collection method: clinical testing. Allele origin: germline. Observed: 147 variant alleles.
Comment: p.Arg392Cys in exon 5 of ALMS1: This variant is not expected to have clinical si gnificance because it has been identified in 87.82% (1161/1322) of African chrom osomes by the 1000 Genomes Project (Phase 3; dbSNP rs3813227).

Breakthrough Genomics
Classification: Benign. Review status: criteria provided, single submitter. Criteria: ACMG Guidelines, 2015. Collection method: not provided. Allele origin: germline. Inheritance: Autosomal recessive inheritance. Affected: yes.

Natera, Inc.
Classification: Benign for Alstrom syndrome. Last evaluated: 2020-09-16. Review status: no assertion criteria provided. Collection method: clinical testing. Allele origin: germline. Not counted in ClinVar's aggregate classification.

Clinical Genetics, Academic Medical Center
Classification: Benign. Review status: no assertion criteria provided. Collection method: clinical testing. Allele origin: germline. Affected: yes. Study: VKGL Data-share Consensus. Not counted in ClinVar's aggregate classification.

Diagnostic Laboratory, Department of Genetics, University Medical Center Groningen
Classification: Benign. Review status: no assertion criteria provided. Collection method: clinical testing. Allele origin: germline. Affected: yes. Study: VKGL Data-share Consensus. Not counted in ClinVar's aggregate classification.

Joint Genome Diagnostic Labs from Nijmegen and Maastricht, Radboudumc and MUMC+
Classification: Benign. Review status: no assertion criteria provided. Collection method: clinical testing. Allele origin: germline. Affected: yes. Study: VKGL Data-share Consensus. Not counted in ClinVar's aggregate classification.

NM_001378454.1(ALMS1):c.1174C>T (p.Arg392Cys)

Gene: ALMS1 (ALMS1 centrosome and basal body associated protein; plus strand). Cytogenetic location: 2p13.1.
Variant type: single nucleotide variant.
Coding change: c.1174C>T on transcript NM_001378454.1 (MANE Select); coding-DNA position 1174, C replaced by T.
Protein change: p.Arg392Cys; replaces arginine 392 with cysteine.
Molecular consequence: missense variant.
Genome position (GRCh38, 1-based): chr2:73,424,839, C>T. VCF-style: chr2-73424839-C-T. GRCh37 (hg19) VCF-style: chr2-73651967-C-T.
Other names: c.1177C>T, p.Arg393Cys (NM_015120.4); short protein forms R393C, R392C.
Identifiers: ClinVar variation 383753 (VCV000383753.31), dbSNP rs3813227, ClinGen allele CA1713059.